The following is an entry in ClinVar:

NM_017514.5(PLXNA3):c.856G>A (p.Gly286Ser)

Gene: PLXNA3 (plexin A3; plus strand). Cytogenetic location: Xq28.
Variant type: single nucleotide variant.
Coding change: c.856G>A on transcript NM_017514.5 (MANE Select); coding-DNA position 856, G replaced by A.
Protein change: p.Gly286Ser; replaces glycine 286 with serine.
Molecular consequence: missense variant.
Genome position (GRCh38, 1-based): chrX:154,461,360, G>A. VCF-style: chrX-154461360-G-A. GRCh37 (hg19) VCF-style: chrX-153689700-G-A.
Other names: c.856G>A (NM_017514.3); short protein forms G286S.
Identifiers: ClinVar variation 3351220 (VCV003351220.2).

ClinVar aggregate classification (germline): Uncertain significance. Review status: criteria provided, single submitter (1 of 4 stars). 2 submissions from 2 submitters: Uncertain significance (1). 1 of the submissions does not count toward it. Last evaluated 2025-05-11.

Conditions:
PLXNA3-related disorder. Also called: PLXNA3-related condition.

gnomAD v4.1: 43 of 1,211,190 alleles (0.0036%); highest among the groups gnomAD compares: Middle Eastern, 0.023%; no homozygotes.

Submissions (2):

Ambry Genetics
Classification: Uncertain significance. Last evaluated: 2025-05-11. Review status: criteria provided, single submitter. Criteria: Ambry Variant Classification Scheme 2023. Collection method: clinical testing. Allele origin: germline.

PreventionGenetics, part of Exact Sciences
Classification: Uncertain significance for PLXNA3-related condition. Last evaluated: 2024-09-16. Review status: no assertion criteria provided. Collection method: clinical testing. Allele origin: germline. Not counted in ClinVar's aggregate classification.
Comment: The PLXNA3 c.856G>A variant is predicted to result in the amino acid substitution p.Gly286Ser. To our knowledge, this variant has not been reported in the literature. This variant is reported in 0.0067% of alleles in individuals of East Asian descent in gnomAD, including two hemizygous individuals. Although we suspect that this variant may be benign, at this time, the clinical significance of this variant is uncertain due to the absence of conclusive functional and genetic evidence.